The following is an entry in ClinVar:

ClinVar aggregate classification (germline): Likely benign (1 of 4 stars; one submission).

Conditions:
Lynch syndrome 5 (LYNCH5). Also called: Colorectal cancer, hereditary nonpolyposis, type 5; Hereditary non-polyposis colorectal cancer, type 5. Identifiers: Orphanet 144, MedGen C1833477, MONDO:0013710, OMIM 614350. Disease mechanism: loss of function.

Submission:

Myriad Genetics, Inc.
Classification: Likely benign for Lynch syndrome 5. Last evaluated: 2024-12-18. Review status: criteria provided, single submitter. Criteria: Myriad Autosomal Dominant, Autosomal Recessive and X-Linked Classification Criteria (2023). Collection method: clinical testing. Allele origin: unknown.
Comment: This variant is considered likely benign. This variant is intronic and is not expected to impact mRNA splicing.

NM_000179.3(MSH6):c.261-9T>C

Gene: MSH6 (mutS homolog 6; plus strand). Cytogenetic location: 2p16.3.
Variant type: single nucleotide variant.
Coding change: c.261-9T>C on transcript NM_000179.3 (MANE Select); 9 bases into the intron before coding-DNA position 261, T replaced by C.
Molecular consequence: intron variant. On other transcripts: 5 prime UTR variant (1).
Genome position (GRCh38, 1-based): chr2:47,790,918, T>C. VCF-style: chr2-47790918-T-C. GRCh37 (hg19) VCF-style: chr2-48018057-T-C.
Other names: c.-46T>C (NM_001406830.1); c.261-9T>C (NM_001406809.1, NM_001406796.1, NM_001406813.1 and 6 more transcripts); c.-476-9T>C (NM_001406811.1, NM_001281493.2, NM_001406829.1 and 1 more transcripts); c.-37-9T>C (NM_001406805.1, NM_001406797.1, NM_001406801.1 and 9 more transcripts); c.357-9T>C (NM_001406795.1, NM_001406802.1); c.-668-9T>C (NM_001406807.1); c.-734-9T>C (NM_001406814.1); c.-323-9T>C (NM_001406812.1); and 7 more.
Identifiers: ClinVar variation 3904103 (VCV003904103.1).